The following is an entry in ClinVar:

NM_000051.4(ATM):c.5497-11G>T

Gene: ATM (ATM serine/threonine kinase; plus strand). Cytogenetic location: 11q22.3.
Variant type: single nucleotide variant.
Coding change: c.5497-11G>T on transcript NM_000051.4 (MANE Select); 11 bases into the intron before coding-DNA position 5497, G replaced by T.
Molecular consequence: intron variant.
Genome position (GRCh38, 1-based): chr11:108,304,664, G>T. VCF-style: chr11-108304664-G-T. GRCh37 (hg19) VCF-style: chr11-108175391-G-T.
Other names: c.5497-11G>T (NM_001351834.2).
Identifiers: ClinVar variation 1655253 (VCV001655253.9), dbSNP rs2135942166, ClinGen allele CA2573146638.
Genomic context (GRCh38, chr11:108,304,664, plus strand): 5'-TTTTAAGTAAAATGTATTAATTTTACTCATTTTTACTCAAACTATTGGGTGGATTTGTTT[G>T]TATATTCTAGGTGAAAACTGACTTTTGTCAGACTGTACTTCCATACTTGATTCATGATAT-3'

ClinVar aggregate classification (germline): Likely benign. Review status: criteria provided, multiple submitters, no conflicts (2 of 4 stars). 2 submissions from 2 submitters: Likely benign (2). Last evaluated 2024-05-23.

Conditions:
Ataxia-telangiectasia syndrome (AT). Also called: ATAXIA-TELANGIECTASIA, COMPLEMENTATION GROUP A; ATAXIA-TELANGIECTASIA, FRESNO VARIANT; Ataxia-telangiectasia, complementation group E; Ataxia telangiectasia (A-T); Ataxia-telangiectasia, complementation group D; AT, COMPLEMENTATION GROUP C. Identifiers: Orphanet 100, MedGen C0004135, MONDO:0008840, OMIM 208900.
Familial cancer of breast. Also called: hereditary breast carcinoma; BREAST CANCER, FAMILIAL; Hereditary breast cancer. Identifiers: Orphanet 227535, MedGen C0346153, MONDO:0016419, OMIM 114480. Disease mechanism: loss of function.

Submissions (2):

Myriad Genetics, Inc.
Classification: Likely benign for Familial cancer of breast. Last evaluated: 2024-05-23. Review status: criteria provided, single submitter. Criteria: Myriad Autosomal Dominant, Autosomal Recessive and X-Linked Classification Criteria (2023). Collection method: clinical testing. Allele origin: unknown.
Comment: This variant is considered likely benign. This variant is intronic and is not expected to impact mRNA splicing.

Labcorp Genetics (formerly Invitae), Labcorp
Classification: Likely benign for Ataxia-telangiectasia syndrome. Last evaluated: 2023-06-21. Review status: criteria provided, single submitter. Criteria: Invitae Variant Classification Sherloc (09022015). Collection method: clinical testing. Allele origin: germline.